The following is an entry in ClinVar:

NM_002180.3(IGHMBP2):c.2183A>T (p.His728Leu)

Gene: IGHMBP2 (immunoglobulin mu DNA binding protein 2; plus strand). Cytogenetic location: 11q13.3.
Variant type: single nucleotide variant.
Coding change: c.2183A>T on transcript NM_002180.3 (MANE Select); coding-DNA position 2183, A replaced by T.
Protein change: p.His728Leu; replaces histidine 728 with leucine.
Molecular consequence: missense variant.
Genome position (GRCh38, 1-based): chr11:68,936,663, A>T. VCF-style: chr11-68936663-A-T. GRCh37 (hg19) VCF-style: chr11-68704131-A-T.
Other names: c.2183A>T (NM_002180.2); short protein forms H728L.
Identifiers: ClinVar variation 1353379 (VCV001353379.4), dbSNP rs536678728, ClinGen allele CA6153852.

ClinVar aggregate classification (germline): Uncertain significance. Review status: criteria provided, multiple submitters, no conflicts (2 of 4 stars). 2 submissions from 2 submitters: Uncertain significance (2). Last evaluated 2026-04-20.

Conditions:
Charcot-Marie-Tooth disease axonal type 2S. Also called: CHARCOT-MARIE-TOOTH NEUROPATHY, TYPE 2S; CHARCOT-MARIE-TOOTH DISEASE, AXONAL, AUTOSOMAL RECESSIVE, TYPE 2S. Identifiers: Orphanet 443073, MedGen C4015349, MONDO:0014511, OMIM 616155.
Autosomal recessive distal spinal muscular atrophy 1. Also called: NEURONOPATHY, DISTAL HEREDITARY MOTOR, HARDING TYPE VI; NEUROPATHY, DISTAL HEREDITARY MOTOR, AUTOSOMAL RECESSIVE 1; HMN VI; NEURONOPATHY, SEVERE INFANTILE AXONAL, WITH RESPIRATORY FAILURE; SEVERE INFANTILE AXONAL NEUROPATHY WITH RESPIRATORY FAILURE; SPINAL MUSCULAR ATROPHY, DIAPHRAGMATIC. Identifiers: Orphanet 98920, MedGen C1858517, MONDO:0011436, OMIM 604320.

Allele frequency attached by ClinVar (database versions not stated): TOPMed 0.00001; 1000 Genomes Project 30x 0.00016; 1000 Genomes Project 0.00020; gnomAD 0.00002.
gnomAD v4.1: 4 of 1,613,956 alleles (0.00025%); highest among the groups gnomAD compares: African/African-American, 0.0053%; no homozygotes.

Submissions (2):

GeneDx
Classification: Uncertain significance. Last evaluated: 2026-04-20. Review status: criteria provided, single submitter. Criteria: GeneDx Variant Classification Process June 2021. Collection method: clinical testing. Allele origin: germline.
Comment: Not observed at significant frequency in large population cohorts (gnomAD); In silico analysis supports that this missense variant has a deleterious effect on protein structure/function; Has not been previously published as pathogenic or benign to our knowledge

Labcorp Genetics (formerly Invitae), Labcorp
Classification: Uncertain significance for Autosomal recessive distal spinal muscular atrophy 1; Charcot-Marie-Tooth disease axonal type 2S. Last evaluated: 2021-11-24. Review status: criteria provided, single submitter. Criteria: Invitae Variant Classification Sherloc (09022015). Collection method: clinical testing. Allele origin: germline.
Comment: This sequence change replaces histidine, which is basic and polar, with leucine, which is neutral and non-polar, at codon 728 of the IGHMBP2 protein (p.His728Leu). This variant is present in population databases (rs536678728, gnomAD 0.007%). This variant has not been reported in the literature in individuals affected with IGHMBP2-related conditions. Advanced modeling of protein sequence and biophysical properties (such as structural, functional, and spatial information, amino acid conservation, physicochemical variation, residue mobility, and thermodynamic stability) performed at Invitae indicates that this missense variant is not expected to disrupt IGHMBP2 protein function. In summary, the available evidence is currently insufficient to determine the role of this variant in disease. Therefore, it has been classified as a Variant of Uncertain Significance.